The following is an entry in ClinVar:

NM_001267550.2(TTN):c.105142G>A (p.Val35048Ile)

Genes: TTN-AS1 (TTN antisense RNA 1; plus strand), TTN (titin; minus strand), LOC129935185 (ATAC-STARR-seq lymphoblastoid active region 16810; plus strand). Cytogenetic location: 2q31.2.
Variant type: single nucleotide variant.
Coding change: c.105142G>A on transcript NM_001267550.2 (MANE Select); coding-DNA position 105142, G replaced by A.
Protein change: p.Val35048Ile; replaces valine 35048 with isoleucine.
Molecular consequence: missense variant.
Genome position (GRCh38, 1-based): chr2:178,531,473, C>T on the plus strand (G>A on the coding strand, the complement: TTN is on the minus strand). VCF-style: chr2-178531473-C-T. GRCh37 (hg19) VCF-style: chr2-179396200-C-T.
Other names: c.100219G>A, p.Val33407Ile (NM_001256850.1); c.77947G>A, p.Val25983Ile (NM_003319.4); c.97438G>A, p.Val32480Ile (NM_133378.4); c.78322G>A, p.Val26108Ile (NM_133432.3); c.78523G>A, p.Val26175Ile (NM_133437.4); short protein forms V25983I, V26108I, V26175I, V32480I, V33407I, V35048I.
Identifiers: ClinVar variation 1055347 (VCV001055347.7), dbSNP rs1689087953, ClinGen allele CA349409398.
Genomic context (GRCh38, chr2:178,531,473, plus strand): 5'-TAAATGATGAAACAGCATACGCCTCTGTTCTTGTCAGCTCAGGGAAAACAGATCTGGGGA[C>T]CTCTTCATCTCTGCGTTGGGAAGCATAGGTGGTATAATCCCCTCCTGTCACGTCCAACGT-3'
Protein context (NP_001254479.2, residues 35038-35058): TYASQRRDEE[Val35048Ile]PRSVFPELTR

ClinVar aggregate classification (germline): Uncertain significance (1 of 4 stars; one submission).

Conditions:
Dilated cardiomyopathy 1G (CMD1G). Identifiers: Orphanet 154, MedGen C1858763, MONDO:0011400, OMIM 604145.
Autosomal recessive limb-girdle muscular dystrophy type 2J (LGMDR10). Also called: Limb-girdle muscular dystrophy, type 2J; MUSCULAR DYSTROPHY, LIMB-GIRDLE, AUTOSOMAL RECESSIVE 10. Identifiers: Orphanet 140922, MedGen C1837342, MONDO:0012127, OMIM 608807.

Submission:

Labcorp Genetics (formerly Invitae), Labcorp
Classification: Uncertain significance for Dilated cardiomyopathy 1G; Autosomal recessive limb-girdle muscular dystrophy type 2J. Last evaluated: 2020-07-27. Review status: criteria provided, single submitter. Criteria: Invitae Variant Classification Sherloc (09022015). Collection method: clinical testing. Allele origin: germline.
Comment: Algorithms developed to predict the effect of missense changes on protein structure and function are unavailable for the TTN gene. This variant is located in the M band of TTN (PMID: 25589632). Variants in this region may be relevant for neuromuscular disorders, but have not been definitively shown to cause cardiomyopathy (PMID: 23975875). In summary, the available evidence is currently insufficient to determine the role of this variant in disease. Therefore, it has been classified as a Variant of Uncertain Significance. This variant has not been reported in the literature in individuals with TTN-related conditions. This variant is not present in population databases (ExAC no frequency). This sequence change replaces valine with isoleucine at codon 35048 of the TTN protein (p.Val35048Ile). There is a small physicochemical difference between valine and isoleucine.

Literature cited by the submitters: PubMed 25589632; PubMed 23975875.